The following is an entry in ClinVar:

ClinVar aggregate classification (germline): Benign/Likely benign. Review status: criteria provided, multiple submitters, no conflicts (2 of 4 stars). 2 submissions from 2 submitters: Benign (1); Likely benign (1). Last evaluated 2024-10-09.

Conditions:
Hereditary diffuse gastric adenocarcinoma (HDGC). Also called: DIFFUSE GASTRIC AND LOBULAR BREAST CANCER SYNDROME. Identifiers: Orphanet 26106, MedGen C1708349, MONDO:0007648, OMIM 137215.
Hereditary cancer-predisposing syndrome. Also called: Hereditary Cancer Syndrome; Hereditary neoplastic syndrome; Neoplastic Syndromes, Hereditary; Tumor predisposition. Identifiers: Orphanet 140162, MedGen C0027672, MeSH D009386, MONDO:0015356.

gnomAD v4.1: 1 of 1,603,388 alleles (0.000062%); highest among the groups gnomAD compares: Non-Finnish European, 0.000085%; no homozygotes.

Submissions (2):

Myriad Genetics, Inc.
Classification: Benign for Hereditary diffuse gastric adenocarcinoma. Last evaluated: 2024-10-09. Review status: criteria provided, single submitter. Criteria: Myriad Autosomal Dominant, Autosomal Recessive and X-Linked Classification Criteria (2023). Collection method: clinical testing. Allele origin: unknown.
Comment: This variant is considered benign. This variant is a silent/synonymous amino acid change and it is not expected to impact splicing.

Ambry Genetics
Classification: Likely benign for Hereditary cancer-predisposing syndrome. Last evaluated: 2024-10-02. Review status: criteria provided, single submitter. Criteria: Ambry Variant Classification Scheme 2023. Collection method: clinical testing. Allele origin: germline.

NM_001903.5(CTNNA1):c.52C>T (p.Leu18=)

Gene: CTNNA1 (catenin alpha 1; plus strand). Cytogenetic location: 5q31.2.
Variant type: single nucleotide variant.
Coding change: c.52C>T on transcript NM_001903.5 (MANE Select); coding-DNA position 52, C replaced by T.
Protein change: p.Leu18=; no amino-acid change (leucine 18 retained).
Molecular consequence: synonymous variant. On other transcripts: 5 prime UTR variant (2).
Genome position (GRCh38, 1-based): chr5:138,781,976, C>T. VCF-style: chr5-138781976-C-T. GRCh37 (hg19) VCF-style: chr5-138117665-C-T.
Other names: c.52C>T, p.Leu18= (NM_001290307.3, NM_001323982.2, NM_001323983.1 and 3 more transcripts); c.-62C>T (NM_001290309.3); c.-155C>T (NM_001290310.3).
Identifiers: ClinVar variation 3498247 (VCV003498247.2).